The following is an entry in ClinVar:

ClinVar aggregate classification (germline): Pathogenic/Likely pathogenic. Review status: criteria provided, multiple submitters, no conflicts (2 of 4 stars). 2 submissions from 2 submitters: Pathogenic (1); Likely pathogenic (1). Last evaluated 2023-02-01.

Conditions:
Cataract 1 multiple types. Also called: CATARACT 1, MULTIPLE TYPES, WITH OR WITHOUT MICROCORNEA; CATARACT 1, NUCLEAR PROGRESSIVE; CATARACT 1 WITH MICROCORNEA; CATARACT 1, POSTERIOR SUBCAPSULAR, WITH MICROCORNEA; CATARACT 1, STELLATE NUCLEAR, WITH MICROCORNEA; CATARACT, DUFFY-LINKED. Identifiers: Orphanet 1377, MedGen C1861828, MONDO:0007285, OMIM 116200.

Submissions (2):

GeneDx
Classification: Pathogenic. Last evaluated: 2023-02-01. Review status: criteria provided, single submitter. Criteria: GeneDx Variant Classification Process June 2021. Collection method: clinical testing. Allele origin: germline. Affected: yes.
Comment: In silico analysis supports that this missense variant has a deleterious effect on protein structure/function; Not observed at significant frequency in large population cohorts (gnomAD); This variant is associated with the following publications: (PMID: 33240976, 35531093)

Dept. Genetics and Cancer, Menzies Institute for Medical Research, University of Tasmania
Classification: Likely pathogenic for Cataract 1 multiple types. Last evaluated: 2023-01-21. Review status: criteria provided, single submitter. Criteria: ACMG Guidelines, 2015. Collection method: curation. Allele origin: germline. Affected: yes.
Comment: Variant identified and curated during a GJA8 specific review of the literature in relation to pediatric or congenital cataract. ACMG-AMP criteria applied: PP1(Strong), PM1(Supporting), PM2(Supporting), PP3. Original variant report: PMID:33240976. The cataract phenotype reported for this variant is: Y-shaped nuclear. Additional phenotype/s reported in these individual/s are: Strabismus, amblyopia. Gene review and curation guidelines are outlined in: DOI 10.1080/17469899.2023.2160320

Literature cited by the submitters: PubMed 33240976 (cited by Dept. Genetics and Cancer, Menzies Institute for Medical Research, University of Tasmania).

NM_005267.5(GJA8):c.178G>A (p.Gly60Ser)

Gene: GJA8 (gap junction protein alpha 8; plus strand). Cytogenetic location: 1q21.2.
Variant type: single nucleotide variant.
Coding change: c.178G>A on transcript NM_005267.5 (MANE Select); coding-DNA position 178, G replaced by A.
Protein change: p.Gly60Ser; replaces glycine 60 with serine.
Molecular consequence: missense variant.
Genome position (GRCh38, 1-based): chr1:147,908,133, G>A. VCF-style: chr1-147908133-G-A. GRCh37 (hg19) VCF-style: chr1-147380260-G-A.
Other names: short protein forms G60S.
Identifiers: ClinVar variation 2574784 (VCV002574784.2), dbSNP rs2524889327, ClinGen allele CA342223435.